The following is an entry in ClinVar:

ClinVar aggregate classification (germline): Uncertain significance (1 of 4 stars; one submission).

Conditions:
Glycogen storage disease IXb (GSD9B). Also called: GLYCOGENOSIS OF LIVER AND MUSCLE, AUTOSOMAL RECESSIVE; GSD IXb; PHOSPHORYLASE KINASE DEFICIENCY OF LIVER AND MUSCLE, AUTOSOMAL RECESSIVE. Identifiers: Orphanet 79240, MedGen C0543514, MONDO:0009868, OMIM 261750.

Allele frequency attached by ClinVar (database versions not stated): TOPMed below 0.00001; ExAC 0.00003; ESP Exome Variant Server 0.00008.
gnomAD v4.1: 9 of 1,613,934 alleles (0.00056%); highest among the groups gnomAD compares: South Asian, 0.0022%; no homozygotes.

Submission:

Labcorp Genetics (formerly Invitae), Labcorp
Classification: Uncertain significance for Glycogen storage disease IXb. Last evaluated: 2022-07-30. Review status: criteria provided, single submitter. Criteria: Invitae Variant Classification Sherloc (09022015). Collection method: clinical testing. Allele origin: germline.
Comment: This sequence change replaces glutamic acid, which is acidic and polar, with lysine, which is basic and polar, at codon 726 of the PHKB protein (p.Glu726Lys). This variant is present in population databases (rs375361185, gnomAD 0.006%). This variant has not been reported in the literature in individuals affected with PHKB-related conditions. Algorithms developed to predict the effect of missense changes on protein structure and function are either unavailable or do not agree on the potential impact of this missense change (SIFT: "Deleterious"; PolyPhen-2: "Benign"; Align-GVGD: "Class C15"). In summary, the available evidence is currently insufficient to determine the role of this variant in disease. Therefore, it has been classified as a Variant of Uncertain Significance.

NM_000293.3(PHKB):c.2176G>A (p.Glu726Lys)

Gene: PHKB (phosphorylase kinase regulatory subunit beta; plus strand). Cytogenetic location: 16q12.1.
Variant type: single nucleotide variant.
Coding change: c.2176G>A on transcript NM_000293.3 (MANE Select); coding-DNA position 2176, G replaced by A.
Protein change: p.Glu726Lys; replaces glutamic acid 726 with lysine.
Molecular consequence: missense variant.
Genome position (GRCh38, 1-based): chr16:47,660,799, G>A. VCF-style: chr16-47660799-G-A. GRCh37 (hg19) VCF-style: chr16-47694710-G-A.
Other names: c.2155G>A, p.Glu719Lys (NM_001031835.3); c.2176G>A, p.Glu726Lys (NM_001363837.1); short protein forms E726K, E719K.
Identifiers: ClinVar variation 1937541 (VCV001937541.2), dbSNP rs375361185, ClinGen allele CA8041085.